The following is an entry in ClinVar:

ClinVar aggregate classification (germline): Likely pathogenic (1 of 4 stars; one submission).

Conditions:
Ectrodactyly, ectodermal dysplasia, and cleft lip-palate syndrome 3. Also called: Ectrodactyly, Ectodermal Dysplasia, Clefting Syndrome; EEC SYNDROME 3; Ectrodactyly, Ectodermal Dysplasia, Cleft Lip/Palate Syndrome 3 (EEC3); Ectrodactyly, Ectodermal Dysplasia, Clefting Syndrome Type 3 (EEC3). Identifiers: Orphanet 1896, MedGen C1858562, MONDO:0011428, OMIM 604292.

Submission:

Victorian Clinical Genetics Services, Murdoch Childrens Research Institute
Classification: Likely pathogenic for Ectrodactyly, ectodermal dysplasia, and cleft lip-palate syndrome 3. Last evaluated: 2026-07-16. Review status: criteria provided, single submitter. Criteria: ACMG Guidelines, 2015. Collection method: clinical testing. Allele origin: germline. Affected: yes.
Comment: This variant is classified as Likely pathogenic. Evidence in support of pathogenic classification: Canonical splice site variant without proven consequence on splicing (no functional evidence available); This variant is absent from gnomAD v4; Abnormal splicing is predicted by in silico tool and affected nucleotide is highly conserved. Additional information: This variant is heterozygous; This gene is associated with autosomal dominant disease; This variant has no previous evidence of pathogenicity; No published evidence of segregation with disease has been identified for this variant; No published functional evidence has been identified for this variant; No comparable variants have previous evidence for pathogenicity; Dominant negative, loss of function and gain of function are known mechanisms of disease in this gene and are associated with the phenotypic spectrum encompassed by ectrodactyly, ectodermal dysplasia, and cleft lip/palate syndrome 3 (MIM#604292) (PMID: 20556892); The condition associated with this gene has incomplete penetrance (PMID: 20556892); Variants in this gene are known to have variable expressivity. TP63-related conditions are known to have wide phenotypic variability even among members of the same family (PMIDs: 20556892, 32476291, 29620206); Inheritance information for this variant is not currently available in this individual.

Literature cited by the submitters: PubMed 32476291; PubMed 20556892; PubMed 29620206.

NM_003722.5(TP63):c.579+1G>A

Gene: TP63 (tumor protein p63; plus strand). Cytogenetic location: 3q28.
Variant type: single nucleotide variant.
Coding change: c.579+1G>A on transcript NM_003722.5 (MANE Select); the canonical splice donor site of the intron after coding-DNA position 579, G replaced by A.
Molecular consequence: splice donor variant. On other transcripts: intron variant (2).
Genome position (GRCh38, 1-based): chr3:189,808,527, G>A. VCF-style: chr3-189808527-G-A. GRCh37 (hg19) VCF-style: chr3-189526316-G-A.
Other names: c.573+1G>A (NM_001329964.2); c.579+1G>A (NM_001114978.2, NM_001329144.2, NM_001329148.2 and 1 more transcripts); c.297+1G>A (NM_001114980.2, NM_001114981.2, NM_001329145.2 and 2 more transcripts); c.42+18685G>A (NM_001329146.2, NM_001329150.2).
Identifiers: ClinVar variation 4879706 (VCV004879706.1).
Genomic context (GRCh38, chr3:189,808,527, plus strand): 5'-CCGCACAGTTTCGACGTGTCCTTCCAGCAGTCGAGCACCGCCAAGTCGGCCACCTGGACG[G>A]TAAGAGCAGCGGGCACGCACATACCTGACCCCCCAAGTCCAAGGATGGGCTTCACCACGT-3'